The following is an entry in ClinVar:

NM_001122955.4(BSCL2):c.529G>C (p.Glu177Gln)

Genes: BSCL2 (BSCL2 lipid droplet biogenesis associated, seipin; minus strand), HNRNPUL2-BSCL2 (HNRNPUL2-BSCL2 readthrough (NMD candidate); minus strand). Cytogenetic location: 11q12.3.
Variant type: single nucleotide variant.
Coding change: c.529G>C on transcript NM_001122955.4 (MANE Select); coding-DNA position 529, G replaced by C.
Protein change: p.Glu177Gln; replaces glutamic acid 177 with glutamine.
Molecular consequence: missense variant. On other transcripts: non-coding transcript variant (1).
Genome position (GRCh38, 1-based): chr11:62,694,669, C>G on the plus strand (G>C on the coding strand, the complement: BSCL2 is on the minus strand). VCF-style: chr11-62694669-C-G. GRCh37 (hg19) VCF-style: chr11-62462141-C-G.
Other names: c.337G>C, p.Glu113Gln (NM_001130702.2, NM_032667.6); c.529G>C, p.Glu177Gln (NM_001386027.1, NM_001386028.1); short protein forms E113Q, E177Q.
Identifiers: ClinVar variation 3690550 (VCV003690550.2).

ClinVar aggregate classification (germline): Uncertain significance (1 of 4 stars; one submission).

Conditions:
Charcot-Marie-Tooth disease type 2. Also called: Charcot-Marie-Tooth type 2. Identifiers: Orphanet 64746, MedGen C0270914, MONDO:0018993.

gnomAD v4.1: 5 of 1,614,048 alleles (0.00031%); highest among the groups gnomAD compares: Non-Finnish European, 0.00034%; no homozygotes.

Submission:

Labcorp Genetics (formerly Invitae), Labcorp
Classification: Uncertain significance for Charcot-Marie-Tooth disease type 2. Last evaluated: 2024-05-22. Review status: criteria provided, single submitter. Criteria: Invitae Variant Classification Sherloc (09022015). Collection method: clinical testing. Allele origin: germline.
Comment: This sequence change replaces glutamic acid, which is acidic and polar, with glutamine, which is neutral and polar, at codon 113 of the BSCL2 protein (p.Glu113Gln). This variant is present in population databases (no rsID available, gnomAD 0.007%). This variant has not been reported in the literature in individuals affected with BSCL2-related conditions. Advanced modeling of protein sequence and biophysical properties (such as structural, functional, and spatial information, amino acid conservation, physicochemical variation, residue mobility, and thermodynamic stability) performed at Invitae indicates that this missense variant is not expected to disrupt BSCL2 protein function with a negative predictive value of 80%. In summary, the available evidence is currently insufficient to determine the role of this variant in disease. Therefore, it has been classified as a Variant of Uncertain Significance.